The following is an entry in ClinVar:

ClinVar aggregate classification (germline): Uncertain significance (1 of 4 stars; one submission).

Conditions:
Inborn genetic diseases. Identifiers: MedGen C0950123, MeSH D030342.

gnomAD v4.1: 1 of 1,613,774 alleles (0.000062%); highest among the groups gnomAD compares: Non-Finnish European, 0.000085%; no homozygotes.

Submission:

Ambry Genetics
Classification: Uncertain significance for Inborn genetic diseases. Last evaluated: 2026-01-11. Review status: criteria provided, single submitter. Criteria: Ambry Variant Classification Scheme 2023. Collection method: clinical testing. Allele origin: germline.
Comment: The p.D1507G variant (also known as c.4520A>G), located in coding exon 1 of the SAMD9 gene, results from an A to G substitution at nucleotide position 4520. The aspartic acid at codon 1507 is replaced by glycine, an amino acid with similar properties. This amino acid position is conserved. In addition, this alteration is predicted to be tolerated by in silico analysis. Based on the available evidence, the clinical significance of this variant remains unclear.

NM_017654.4(SAMD9):c.4520A>G (p.Asp1507Gly)

Gene: SAMD9 (sterile alpha motif domain containing 9; minus strand). Cytogenetic location: 7q21.2.
Variant type: single nucleotide variant.
Coding change: c.4520A>G on transcript NM_017654.4 (MANE Select); coding-DNA position 4520, A replaced by G.
Protein change: p.Asp1507Gly; replaces aspartic acid 1507 with glycine.
Molecular consequence: missense variant.
Genome position (GRCh38, 1-based): chr7:93,101,578, T>C on the plus strand (A>G on the coding strand, the complement: SAMD9 is on the minus strand). VCF-style: chr7-93101578-T-C. GRCh37 (hg19) VCF-style: chr7-92730891-T-C.
Other names: c.4520A>G, p.Asp1507Gly (NM_001193307.2); short protein forms D1507G.
Identifiers: ClinVar variation 4843140 (VCV004843140.1).